The following is an entry in ClinVar:

NM_024649.5(BBS1):c.380_381insT (p.Gln128fs)

Gene: BBS1 (Bardet-Biedl syndrome 1; plus strand). Cytogenetic location: 11q13.2.
Variant type: Insertion.
Coding change: c.380_381insT on transcript NM_024649.5 (MANE Select); coding-DNA positions 380 to 381, T inserted.
Protein change: p.Gln128fs; shifts the reading frame from glutamine 128.
Molecular consequence: frameshift variant.
Genome position: GRCh38 VCF-style: chr11-66514626-C-CT. GRCh37 (hg19) VCF-style: chr11-66282097-C-CT.
Other names: short protein forms Q128fs.
Identifiers: ClinVar variation 5014730 (VCV005014730.1).

ClinVar aggregate classification (germline): Pathogenic (1 of 4 stars; one submission).

Conditions:
Bardet-Biedl syndrome 1 (BBS1). Identifiers: MedGen C2936862, MONDO:0008854, OMIM 209900. Disease mechanism: loss of function.

Submission:

Myriad Genetics, Inc.
Classification: Pathogenic for Bardet-Biedl syndrome 1. Last evaluated: 2025-07-14. Review status: criteria provided, single submitter. Criteria: Myriad Autosomal Dominant, Autosomal Recessive and X-Linked Classification Criteria (2023). Collection method: clinical testing. Allele origin: unknown.
Comment: NM_024649.4(BBS1):c.380_381insT(Q128Pfs*54) is expected to be pathogenic in the context of Bardet-Biedl syndrome, BBS1-related. This variant is predicted to lead to an abnormal or absent protein product due to the creation of a premature termination codon in BBS1, a gene where loss-of-function variants are known to be pathogenic. Please note: this variant was assessed in the context of healthy population screening.